The following is an entry in ClinVar:

NM_001008212.2(OPTN):c.1546G>C (p.Glu516Gln)

Gene: OPTN (optineurin; plus strand). Cytogenetic location: 10p13.
Variant type: single nucleotide variant.
Coding change: c.1546G>C on transcript NM_001008212.2 (MANE Select); coding-DNA position 1546, G replaced by C.
Protein change: p.Glu516Gln; replaces glutamic acid 516 with glutamine.
Molecular consequence: missense variant.
Genome position (GRCh38, 1-based): chr10:13,133,515, G>C. VCF-style: chr10-13133515-G-C. GRCh37 (hg19) VCF-style: chr10-13175515-G-C.
Other names: c.1546G>C, p.Glu516Gln (NM_001008211.1, NM_001008213.1, NM_021980.4); short protein forms E516Q.
Identifiers: ClinVar variation 992570 (VCV000992570.6), dbSNP rs757107215, ClinGen allele CA5411012.
Genomic context (GRCh38, chr10:13,133,515, plus strand): 5'-TCGGGGTTGTAGAACATCACACAGCGTGTTGCTTTTCGTCCTGGCAGGCAGTCCTTGATG[G>C]AGATGCAGAGTCGTCATGGGGCGAGAACAAGTGACTCTGACCAGCAGGCTTACCTTGTTC-3'
Protein context (NP_001008213.1, residues 506-526): FEDGGRQSLM[Glu516Gln]MQSRHGARTS

ClinVar aggregate classification (germline): Uncertain significance. Review status: criteria provided, single submitter (1 of 4 stars). 2 submissions from 2 submitters: Uncertain significance (1). 1 of the submissions does not count toward it. Last evaluated 2024-09-30.

Conditions:
Primary open angle glaucoma (POAG). Also called: OPTN-related open angle glaucoma. Identifiers: MedGen C0339573, MONDO:0100553, OMIM 137760.
Glaucoma 1, open angle, E. Identifiers: MedGen C1842026, MONDO:0007665.
Amyotrophic lateral sclerosis type 12 (ALS12). Also called: AMYOTROPHIC LATERAL SCLEROSIS 12 WITH OR WITHOUT FRONTOTEMPORAL DEMENTIA. Identifiers: Orphanet 803, MedGen C3150692, MONDO:0013264, OMIM 613435.

Allele frequency attached by ClinVar (database versions not stated): gnomAD 0.00001; ExAC 0.00002; gnomAD exomes 0.00002; TOPMed 0.00002.
gnomAD v4.1: 6 of 1,614,132 alleles (0.00037%); highest among the groups gnomAD compares: East Asian, 0.013%; no homozygotes.

Submissions (2):

Labcorp Genetics (formerly Invitae), Labcorp
Classification: Uncertain significance for Primary open angle glaucoma; Glaucoma 1, open angle, E; Amyotrophic lateral sclerosis type 12. Last evaluated: 2024-09-30. Review status: criteria provided, single submitter. Criteria: Invitae Variant Classification Sherloc (09022015). Collection method: clinical testing. Allele origin: germline.
Comment: This sequence change replaces glutamic acid, which is acidic and polar, with glutamine, which is neutral and polar, at codon 516 of the OPTN protein (p.Glu516Gln). This variant is present in population databases (rs757107215, gnomAD 0.03%). This missense change has been observed in individuals with amyotrophic lateral sclerosis (PMID: 26503823, 31838784, 32893042). ClinVar contains an entry for this variant (Variation ID: 992570). Invitae Evidence Modeling of protein sequence and biophysical properties (such as structural, functional, and spatial information, amino acid conservation, physicochemical variation, residue mobility, and thermodynamic stability) indicates that this missense variant is not expected to disrupt OPTN protein function with a negative predictive value of 80%. In summary, the available evidence is currently insufficient to determine the role of this variant in disease. Therefore, it has been classified as a Variant of Uncertain Significance.

OMIM
Classification: Pathogenic for AMYOTROPHIC LATERAL SCLEROSIS 12 WITH FRONTOTEMPORAL DEMENTIA. Last evaluated: 2021-01-05. Review status: no assertion criteria provided. Collection method: literature only. Allele origin: germline. Not counted in ClinVar's aggregate classification.

Literature cited by the submitters: PubMed 26503823 (cited by Labcorp Genetics (formerly Invitae), Labcorp); PubMed 31838784 (cited by Labcorp Genetics (formerly Invitae), Labcorp and OMIM); PubMed 32893042 (cited by Labcorp Genetics (formerly Invitae), Labcorp).